The following is an entry in ClinVar:

ClinVar aggregate classification (germline): Pathogenic/Likely pathogenic. Review status: criteria provided, multiple submitters, no conflicts (2 of 4 stars). 3 submissions from 3 submitters: Pathogenic (2); Likely pathogenic (1). Last evaluated 2025-09-24.

Conditions:
Congenital myasthenic syndrome 4A. Also called: Myasthenic syndrome, congenital, 4a, slow-channel; CONGENITAL MYASTHENIC SYNDROME TYPE Ia1; MYASTHENIC SYNDROME, CONGENITAL, 4A, SLOW-CHANNEL, AUTOSOMAL RECESSIVE. Identifiers: Orphanet 590, MedGen C4225413, MONDO:0011600, OMIM 605809.

Submissions (3):

Genesolutions, Medical Genetics Institutes, Ho Chi Minh City, Vietnam
Classification: Pathogenic for Congenital myasthenic syndrome 4A. Last evaluated: 2025-09-24. Review status: criteria provided, single submitter. Criteria: ACMG Guidelines, 2015. Collection method: clinical testing. Allele origin: germline. Affected: yes.

Baylor Genetics
Classification: Likely pathogenic for Congenital myasthenic syndrome 4A. Last evaluated: 2024-03-20. Review status: criteria provided, single submitter. Criteria: ACMG Guidelines, 2015. Collection method: clinical testing. Allele origin: unknown.

Labcorp Genetics (formerly Invitae), Labcorp
Classification: Pathogenic for Congenital myasthenic syndrome 4A. Last evaluated: 2023-06-15. Review status: criteria provided, single submitter. Criteria: Invitae Variant Classification Sherloc (09022015). Collection method: clinical testing. Allele origin: germline.
Comment: For these reasons, this variant has been classified as Pathogenic. ClinVar contains an entry for this variant (Variation ID: 958734). This variant has not been reported in the literature in individuals affected with CHRNE-related conditions. This variant is not present in population databases (gnomAD no frequency). This sequence change creates a premature translational stop signal (p.Arg370Glyfs*15) in the CHRNE gene. It is expected to result in an absent or disrupted protein product. Loss-of-function variants in CHRNE are known to be pathogenic (PMID: 22678886).

Literature cited by the submitters: PubMed 22678886 (cited by Labcorp Genetics (formerly Invitae), Labcorp).

NM_000080.4(CHRNE):c.1108del (p.Arg370fs)

Genes: CHRNE (cholinergic receptor nicotinic epsilon subunit; minus strand), LOC130060041 (ATAC-STARR-seq lymphoblastoid silent region 8050; plus strand). Cytogenetic location: 17p13.2.
Variant type: Deletion.
Coding change: c.1108del on transcript NM_000080.4 (MANE Select); coding-DNA position 1108, one base deleted (A; older notation c.1108delA).
Protein change: p.Arg370fs; shifts the reading frame from arginine 370.
Molecular consequence: frameshift variant.
Genome position (GRCh38, 1-based): chr17:4,899,309, T deleted on the plus strand (A on the coding strand, the reverse complement: CHRNE is on the minus strand); the first of 2 consecutive T bases (chr17:4,899,309-4,899,310); deleting either gives the same sequence. VCF-style (leftmost placement, unchanged base first): chr17-4899308-CT-C. GRCh37 (hg19) VCF-style: chr17-4802603-CT-C.
Other names: short protein forms R370fs.
Identifiers: ClinVar variation 958734 (VCV000958734.10), dbSNP rs1969856640, ClinGen allele CA1139665074.